The following is an entry in ClinVar:

ClinVar aggregate classification (germline): Benign. Review status: criteria provided, multiple submitters, no conflicts (2 of 4 stars). 2 submissions from 2 submitters: Benign (2). Last evaluated 2018-06-14.

Allele frequency attached by ClinVar (database versions not stated): 1000 Genomes Project 30x 0.98360; 1000 Genomes Project 0.98403; TOPMed 0.98510; gnomAD 0.98642 and 0.98722; gnomAD exomes 0.99864.
gnomAD v4.1: 1,610,051 of 1,614,066 alleles (100%); highest among the groups gnomAD compares: East Asian, 100%; 803,108 homozygotes.

Submissions (2):

GeneDx
Classification: Benign. Last evaluated: 2018-06-14. Review status: criteria provided, single submitter. Criteria: GeneDx Variant Classification (06012015). Collection method: clinical testing. Allele origin: germline. Affected: yes.
Comment: This variant is considered likely benign or benign based on one or more of the following criteria: it is a conservative change, it occurs at a poorly conserved position in the protein, it is predicted to be benign by multiple in silico algorithms, and/or has population frequency not consistent with disease.

Breakthrough Genomics
Classification: Benign. Review status: criteria provided, single submitter. Criteria: ACMG Guidelines, 2015. Collection method: not provided. Allele origin: germline. Inheritance: Autosomal recessive inheritance. Affected: yes.

NM_003680.4(YARS1):c.205-57C>T

Gene: YARS1 (tyrosyl-tRNA synthetase 1; minus strand). Cytogenetic location: 1p35.1.
Variant type: single nucleotide variant.
Coding change: c.205-57C>T on transcript NM_003680.4 (MANE Select); 57 bases into the intron before coding-DNA position 205, C replaced by T.
Molecular consequence: intron variant.
Genome position (GRCh38, 1-based): chr1:32,810,823, G>A on the plus strand (C>T on the coding strand, the complement: YARS1 is on the minus strand). VCF-style: chr1-32810823-G-A. GRCh37 (hg19) VCF-style: chr1-33276424-G-A.
Identifiers: ClinVar variation 670335 (VCV000670335.2), dbSNP rs4951787, ClinGen allele CA20294787.
Genomic context (GRCh38, chr1:32,810,823, plus strand): 5'-TTACCTGGACAAGAGATAAGGGGCCACCAAAATGTGAATTTGTCCAATTACCTCCAACCT[G>A]TCTCCTCCAGCCCCACCCTGTCCTTGTTAAGTCTCTCTTGGGTCTCCCTTGGGTCATTCC-3'